The following is an entry in ClinVar:

ClinVar aggregate classification (germline): Uncertain significance (1 of 4 stars; one submission).

Conditions:
Hereditary cancer-predisposing syndrome. Also called: Tumor predisposition; Neoplastic Syndromes, Hereditary; Hereditary Cancer Syndrome; Hereditary neoplastic syndrome. Identifiers: Orphanet 140162, MedGen C0027672, MeSH D009386, MONDO:0015356.

Submission:

Ambry Genetics
Classification: Uncertain significance for Hereditary cancer-predisposing syndrome. Last evaluated: 2024-12-31. Review status: criteria provided, single submitter. Criteria: Ambry Variant Classification Scheme 2023. Collection method: clinical testing. Allele origin: germline.
Comment: The p.D57E variant (also known as c.171T>A), located in coding exon 2 of the APC gene, results from a T to A substitution at nucleotide position 171. The aspartic acid at codon 57 is replaced by glutamic acid, an amino acid with highly similar properties. This amino acid position is well conserved in available vertebrate species. Missense alterations in APC are not a common cause of disease (Spier I et al. Genet Med. 2024 Feb;26(2):100992). Based on the available evidence, the clinical significance of this variant remains unclear.

NM_000038.6(APC):c.171T>A (p.Asp57Glu)

Gene: APC (APC regulator of Wnt signaling pathway; plus strand). Cytogenetic location: 5q22.2.
Variant type: single nucleotide variant.
Coding change: c.171T>A on transcript NM_000038.6 (MANE Select); coding-DNA position 171, T replaced by A.
Protein change: p.Asp57Glu; replaces aspartic acid 57 with glutamic acid.
Molecular consequence: missense variant. On other transcripts: 5 prime UTR variant (8), non-coding transcript variant (2).
Genome position (GRCh38, 1-based): chr5:112,766,361, T>A. VCF-style: chr5-112766361-T-A. GRCh37 (hg19) VCF-style: chr5-112102058-T-A.
Other names: c.171T>A, p.Asp57Glu (NM_001127510.3, NM_001354895.2, NM_001354896.2 and 16 more transcripts); c.201T>A, p.Asp67Glu (NM_001127511.3, NM_001354897.2, NM_001354902.2 and 1 more transcripts); c.96T>A, p.Asp32Glu (NM_001354898.2, NM_001354904.2, NM_001407451.1); c.-7T>A (NM_001354900.2, NM_001354901.2, NM_001354905.2 and 1 more transcripts); c.-865T>A (NM_001354906.2, NM_001407470.1, NM_001407471.1 and 1 more transcripts); short protein forms D32E, D57E, D67E.
Identifiers: ClinVar variation 3880419 (VCV003880419.1).